The following is an entry in ClinVar:

NM_002693.3(POLG):c.1756A>G (p.Thr586Ala)

Gene: POLG (DNA polymerase gamma, catalytic subunit; minus strand). Cytogenetic location: 15q26.1.
Variant type: single nucleotide variant.
Coding change: c.1756A>G on transcript NM_002693.3 (MANE Select); coding-DNA position 1756, A replaced by G.
Protein change: p.Thr586Ala; replaces threonine 586 with alanine.
Molecular consequence: missense variant.
Genome position (GRCh38, 1-based): chr15:89,325,643, T>C on the plus strand (A>G on the coding strand, the complement: POLG is on the minus strand). VCF-style: chr15-89325643-T-C. GRCh37 (hg19) VCF-style: chr15-89868874-T-C.
Other names: c.1756A>G, p.Thr586Ala (NM_001126131.2); short protein forms T586A.
Identifiers: ClinVar variation 1371738 (VCV001371738.5), dbSNP rs1596357095, ClinGen allele CA393759426.

ClinVar aggregate classification (germline): Uncertain significance (1 of 4 stars; one submission).

Conditions:
Progressive sclerosing poliodystrophy (MTDPS4A). Also called: Mitochondrial DNA depletion syndrome 4A (Alpers type); ALPERS PROGRESSIVE INFANTILE POLIODYSTROPHY; NEURONAL DEGENERATION OF CHILDHOOD WITH LIVER DISEASE, PROGRESSIVE; Mitochondrial DNA Depletion Syndrome 4A; Alpers-Huttenlocher Syndrome (AHS); Alpers Syndrome. Identifiers: Orphanet 726, MedGen C0205710, MONDO:0008758, OMIM 203700.

Submission:

Labcorp Genetics (formerly Invitae), Labcorp
Classification: Uncertain significance for Progressive sclerosing poliodystrophy. Last evaluated: 2022-07-26. Review status: criteria provided, single submitter. Criteria: Invitae Variant Classification Sherloc (09022015). Collection method: clinical testing. Allele origin: germline.
Comment: This sequence change replaces threonine, which is neutral and polar, with alanine, which is neutral and non-polar, at codon 586 of the POLG protein (p.Thr586Ala). This variant is not present in population databases (gnomAD no frequency). This variant has not been reported in the literature in individuals affected with POLG-related conditions. ClinVar contains an entry for this variant (Variation ID: 1371738). Algorithms developed to predict the effect of missense changes on protein structure and function output the following: SIFT: "Tolerated"; PolyPhen-2: "Benign"; Align-GVGD: "Class C0". The alanine amino acid residue is found in multiple mammalian species, which suggests that this missense change does not adversely affect protein function. In summary, the available evidence is currently insufficient to determine the role of this variant in disease. Therefore, it has been classified as a Variant of Uncertain Significance.